The following is an entry in ClinVar:

NM_002234.4(KCNA5):c.178G>T (p.Ala60Ser)

Gene: KCNA5 (potassium voltage-gated channel subfamily A member 5; plus strand). Cytogenetic location: 12p13.32.
Variant type: single nucleotide variant.
Coding change: c.178G>T on transcript NM_002234.4 (MANE Select); coding-DNA position 178, G replaced by T.
Protein change: p.Ala60Ser; replaces alanine 60 with serine.
Molecular consequence: missense variant.
Genome position (GRCh38, 1-based): chr12:5,044,325, G>T. VCF-style: chr12-5044325-G-T. GRCh37 (hg19) VCF-style: chr12-5153491-G-T.
Other names: short protein forms A60S.
Identifiers: ClinVar variation 2979831 (VCV002979831.3), dbSNP rs2497477230, ClinGen allele CA383462050.
Genomic context (GRCh38, chr12:5,044,325, plus strand): 5'-GCTGGGCTCAGCGATGGGCCCAAGGAGCCGGCGCCAAAGGGGCGCGGCGCGCAGAGAGAC[G>T]CGGACTCGGGAGTGCGGCCCTTGCCTCCGCTGCCGGACCCGGGAGTGCGGCCCTTGCCTC-3'
Protein context (NP_002225.2, residues 50-70): APKGRGAQRD[Ala60Ser]DSGVRPLPPL

ClinVar aggregate classification (germline): Uncertain significance (1 of 4 stars; one submission).

Conditions:
Atrial fibrillation, familial, 7 (ATFB7). Identifiers: MedGen C2677106, MONDO:0012828, OMIM 612240.

Submission:

Labcorp Genetics (formerly Invitae), Labcorp
Classification: Uncertain significance for Atrial fibrillation, familial, 7. Last evaluated: 2023-03-08. Review status: criteria provided, single submitter. Criteria: Invitae Variant Classification Sherloc (09022015). Collection method: clinical testing. Allele origin: germline.
Comment: In summary, the available evidence is currently insufficient to determine the role of this variant in disease. Therefore, it has been classified as a Variant of Uncertain Significance. An algorithm developed to predict the effect of missense changes on protein structure and function (PolyPhen-2) suggests that this variant is likely to be tolerated. This sequence change replaces alanine, which is neutral and non-polar, with serine, which is neutral and polar, at codon 60 of the KCNA5 protein (p.Ala60Ser). This variant is not present in population databases (gnomAD no frequency). This variant has not been reported in the literature in individuals affected with KCNA5-related conditions.